The following is an entry in ClinVar:

NM_021625.5(TRPV4):c.1857C>T (p.Leu619=)

Gene: TRPV4 (transient receptor potential cation channel subfamily V member 4; minus strand). Cytogenetic location: 12q24.11.
Variant type: single nucleotide variant.
Coding change: c.1857C>T on transcript NM_021625.5 (MANE Select); coding-DNA position 1857, C replaced by T.
Protein change: p.Leu619=; no amino-acid change (leucine 619 retained).
Molecular consequence: synonymous variant.
Genome position (GRCh38, 1-based): chr12:109,792,397, G>A on the plus strand (C>T on the coding strand, the complement: TRPV4 is on the minus strand). VCF-style: chr12-109792397-G-A. GRCh37 (hg19) VCF-style: chr12-110230202-G-A.
Other names: c.1716C>T, p.Leu572= (NM_001177428.2); c.1755C>T, p.Leu585= (NM_001177431.2); c.1536C>T, p.Leu512= (NM_001177433.2); c.1677C>T, p.Leu559= (NM_147204.3).
Identifiers: ClinVar variation 387221 (VCV000387221.11), dbSNP rs781048658, ClinGen allele CA6780077.

ClinVar aggregate classification (germline): Likely benign. Review status: criteria provided, multiple submitters, no conflicts (2 of 4 stars). 3 submissions from 3 submitters: Likely benign (3). Last evaluated 2023-02-06.

Conditions:
Inborn genetic diseases. Identifiers: MedGen C0950123, MeSH D030342.
Charcot-Marie-Tooth disease axonal type 2C (HMSN2C). Also called: CHARCOT-MARIE-TOOTH DISEASE, AXONAL, AUTOSOMAL DOMINANT, TYPE 2C; Charcot-Marie-Tooth Neuropathy Type 2C; Charcot-Marie-Tooth Disease Type 2, TRPV4-Related (CMT2C). Identifiers: Orphanet 99937, MedGen C1853710, MONDO:0011633, OMIM 606071.

Allele frequency attached by ClinVar (database versions not stated): gnomAD 0.00001; ExAC 0.00002; TOPMed 0.00002.
gnomAD v4.1: 58 of 1,613,776 alleles (0.0036%); highest among the groups gnomAD compares: Admixed American, 0.005%; no homozygotes.

Submissions (3):

Labcorp Genetics (formerly Invitae), Labcorp
Classification: Likely benign for Charcot-Marie-Tooth disease axonal type 2C. Last evaluated: 2023-02-06. Review status: criteria provided, single submitter. Criteria: Invitae Variant Classification Sherloc (09022015). Collection method: clinical testing. Allele origin: germline.

Ambry Genetics
Classification: Likely benign for Inborn genetic diseases. Last evaluated: 2019-07-11. Review status: criteria provided, single submitter. Criteria: Ambry Variant Classification Scheme 2023. Collection method: clinical testing. Allele origin: germline.

GeneDx
Classification: Likely benign. Last evaluated: 2016-07-15. Review status: criteria provided, single submitter. Criteria: GeneDx Variant Classification (06012015). Collection method: clinical testing. Allele origin: germline. Affected: yes.
Comment: This variant is considered likely benign or benign based on one or more of the following criteria: it is a conservative change, it occurs at a poorly conserved position in the protein, it is predicted to be benign by multiple in silico algorithms, and/or has population frequency not consistent with disease.